The following is an entry in ClinVar:

NM_001077365.2(POMT1):c.338C>A (p.Ala113Asp)

Gene: POMT1 (protein O-mannosyltransferase 1; plus strand). Cytogenetic location: 9q34.13.
Variant type: single nucleotide variant.
Coding change: c.338C>A on transcript NM_001077365.2 (MANE Select); coding-DNA position 338, C replaced by A.
Protein change: p.Ala113Asp; replaces alanine 113 with aspartic acid.
Molecular consequence: missense variant. On other transcripts: 5 prime UTR variant (5), non-coding transcript variant (9), intron variant (3).
Genome position (GRCh38, 1-based): chr9:131,507,425, C>A. VCF-style: chr9-131507425-C-A. GRCh37 (hg19) VCF-style: chr9-134382812-C-A.
Other names: p.Ala113Asp; c.176C>A, p.Ala59Asp (NM_001077366.2, NM_001353194.2, NM_001353197.2 and 3 more transcripts); c.338C>A, p.Ala113Asp (NM_001136113.2, NM_001353193.2, NM_001374690.1 and 1 more transcripts); c.-14C>A (NM_001136114.2, NM_001353195.2, NM_001353199.2 and 2 more transcripts); c.248C>A, p.Ala83Asp (NM_001353196.2); c.-29-1486C>A (NM_001374695.1); c.-710+972C>A (NM_001411024.1); c.-30+972C>A (NM_001353200.2); short protein forms A59D, A83D, A113D.
Identifiers: ClinVar variation 4541483 (VCV004541483.1).

ClinVar aggregate classification (germline): Uncertain significance (1 of 4 stars; one submission).

gnomAD v4.1: 1 of 1,614,184 alleles (0.000062%); highest among the groups gnomAD compares: Non-Finnish European, 0.000085%; no homozygotes.

Submission:

Mayo Clinic Laboratories, Mayo Clinic
Classification: Uncertain significance. Last evaluated: 2025-07-24. Review status: criteria provided, single submitter. Criteria: ACMG Guidelines, 2015. Collection method: clinical testing. Allele origin: germline. Observed: 1 variant allele.
Comment: PP3, PM2_supporting